The following is an entry in ClinVar:

ClinVar aggregate classification (germline): Uncertain significance (1 of 4 stars; one submission).

Submission:

Women's Health and Genetics/Laboratory Corporation of America, LabCorp
Classification: Uncertain significance. Last evaluated: 2025-10-15. Review status: criteria provided, single submitter. Criteria: LabCorp Variant Classification Summary - May 2015. Collection method: clinical testing. Allele origin: germline.
Comment: Variant summary: DYNC1H1 c.6858G>C (p.Lys2286Asn) results in a non-conservative amino acid change in the encoded protein sequence. Algorithms developed to predict the effect of missense changes on protein structure and function are either unavailable or do not agree on the potential impact of this missense change. Consensus agreement among computation tools predict no significant impact on normal splicing. However, these predictions have yet to be confirmed by functional studies. The variant was absent in 251474 control chromosomes (gnomAD). The available data on variant occurrences in the general population are insufficient to allow any conclusion about variant significance. To our knowledge, no occurrence of c.6858G>C in individuals affected with DYNC1H1-related conditions and no experimental evidence demonstrating its impact on protein function have been reported. No submitters have cited clinical-significance assessments for this variant to ClinVar. Based on the evidence outlined above, the variant was classified as uncertain significance.

NM_001376.5(DYNC1H1):c.6858G>C (p.Lys2286Asn)

Gene: DYNC1H1 (dynein cytoplasmic 1 heavy chain 1; plus strand). Cytogenetic location: 14q32.31.
Variant type: single nucleotide variant.
Coding change: c.6858G>C on transcript NM_001376.5 (MANE Select); coding-DNA position 6858, G replaced by C.
Protein change: p.Lys2286Asn; replaces lysine 2286 with asparagine.
Molecular consequence: missense variant.
Genome position (GRCh38, 1-based): chr14:102,012,314, G>C. VCF-style: chr14-102012314-G-C. GRCh37 (hg19) VCF-style: chr14-102478651-G-C.
Other names: short protein forms K2286N.
Identifiers: ClinVar variation 4687265 (VCV004687265.1).
Genomic context (GRCh38, chr14:102,012,314, plus strand): 5'-CATGCCTAATGTTAAAATCTTGATTTAATCAGCAGCTATTTTAAAATCCTTCCCAACCAG[G>C]ATCATCGACAGCGTGAGAGGCGAGCTGCAGAAGCGCCAGTGGATCGTCTTCGATGGCGAT-3'
Protein context (NP_001367.2, residues 2276-2296): TDGLFTHVLR[Lys2286Asn]IIDSVRGELQ